The following is an entry in ClinVar:

ClinVar aggregate classification (germline): Uncertain significance. Review status: criteria provided, multiple submitters, no conflicts (2 of 4 stars). 2 submissions from 2 submitters: Uncertain significance (2). Last evaluated 2025-10-22.

Conditions:
LEPR-related disorder. Also called: LEPR-related condition; LEPR-related disorders.

Allele frequency attached by ClinVar (database versions not stated): gnomAD exomes below 0.00001.
gnomAD v4.1: 1 of 1,613,698 alleles (0.000062%); highest among the groups gnomAD compares: South Asian, 0.0011%; no homozygotes.

Submissions (2):

PreventionGenetics, part of Exact Sciences
Classification: Uncertain significance for LEPR-related condition. Last evaluated: 2025-10-22. Review status: criteria provided, single submitter. Criteria: ACMG Guidelines, 2015. Collection method: clinical testing. Allele origin: germline.
Comment: The LEPR c.1742T>C variant is predicted to result in the amino acid substitution p.Val581Ala. In vitro functional studies showed this variant did not reduce protein function and could cause increased function (Supplemental Data Set 3, Shah et al. 2023. PubMed ID: 36864747). To our knowledge, this variant has not been observed in a large population database (gnomAD), indicating this variant is rare. At this time, the clinical significance of this variant is uncertain due to the absence of conclusive functional and genetic evidence.

Genetic Services Laboratory, University of Chicago
Classification: Uncertain significance. Last evaluated: 2021-03-08. Review status: criteria provided, single submitter. Criteria: ACMG Guidelines, 2015. Collection method: clinical testing. Allele origin: germline. Affected: no.
Comment: DNA sequence analysis of the LEPR gene demonstrated a sequence change, c.1742T>C, in exon 12 that results in an amino acid change, p.Val581Ala. This sequence change is absent from known population databases (gnomAD). The p.Val581Ala change affects a poorly conserved amino acid residue located in a domain of the LEPR protein that is known to be functional. The p.Val581Ala substitution appears to be benign using several in-silico pathogenicity prediction tools (SIFT, PolyPhen2, Align GVGD, REVEL). This sequence change does not appear to have been previously described in patients with LEPR-related disorders. Due to the lack of sufficient evidences, the clinical significance of the p.Val581Ala change remains unknown at this time.

NM_002303.6(LEPR):c.1742T>C (p.Val581Ala)

Gene: LEPR (leptin receptor; plus strand). Cytogenetic location: 1p31.3.
Variant type: single nucleotide variant.
Coding change: c.1742T>C on transcript NM_002303.6 (MANE Select); coding-DNA position 1742, T replaced by C.
Protein change: p.Val581Ala; replaces valine 581 with alanine.
Molecular consequence: missense variant.
Genome position (GRCh38, 1-based): chr1:65,608,891, T>C. VCF-style: chr1-65608891-T-C. GRCh37 (hg19) VCF-style: chr1-66074574-T-C.
Other names: c.1742T>C, p.Val581Ala (NM_001198688.1, NM_001198689.2, NM_001003679.3 and 2 more transcripts); short protein forms V581A.
Identifiers: ClinVar variation 1337853 (VCV001337853.5), dbSNP rs2100964693, ClinGen allele CA340671981.